The following is an entry in ClinVar:

ClinVar aggregate classification (germline): Uncertain significance. Review status: criteria provided, multiple submitters, no conflicts (2 of 4 stars). 2 submissions from 2 submitters: Uncertain significance (2). Last evaluated 2024-03-06.

Conditions:
Hereditary cancer-predisposing syndrome. Also called: Tumor predisposition; Neoplastic Syndromes, Hereditary; Hereditary Cancer Syndrome; Hereditary neoplastic syndrome. Identifiers: Orphanet 140162, MedGen C0027672, MeSH D009386, MONDO:0015356.
Juvenile polyposis syndrome (JPS). Identifiers: Orphanet 2929, MedGen C0345893, MONDO:0017380, OMIM 174900.

Submissions (2):

Color Diagnostics, LLC DBA Color Health
Classification: Uncertain significance for Hereditary cancer-predisposing syndrome. Last evaluated: 2024-03-06. Review status: criteria provided, single submitter. Criteria: ACMG Guidelines, 2015. Collection method: clinical testing. Allele origin: germline.
Comment: This missense variant replaces lysine with arginine at codon 366 of the BMPR1A protein. Computational prediction is inconclusive regarding the impact of this variant on protein structure and function (internally defined REVEL score threshold 0.5 < inconclusive < 0.7, PMID: 27666373). To our knowledge, functional studies have not been reported for this variant. This variant has not been reported in individuals affected with hereditary cancer in the literature. This variant has not been identified in the general population by the Genome Aggregation Database (gnomAD). The available evidence is insufficient to determine the role of this variant in disease conclusively. Therefore, this variant is classified as a Variant of Uncertain Significance.

Labcorp Genetics (formerly Invitae), Labcorp
Classification: Uncertain significance for Juvenile polyposis syndrome. Last evaluated: 2020-10-06. Review status: criteria provided, single submitter. Criteria: Invitae Variant Classification Sherloc (09022015). Collection method: clinical testing. Allele origin: germline.
Comment: This sequence change replaces lysine with arginine at codon 366 of the BMPR1A protein (p.Lys366Arg). The lysine residue is highly conserved and there is a small physicochemical difference between lysine and arginine. This variant is not present in population databases (ExAC no frequency). In summary, the available evidence is currently insufficient to determine the role of this variant in disease. Therefore, it has been classified as a Variant of Uncertain Significance. Advanced modeling of protein sequence and biophysical properties (such as structural, functional, and spatial information, amino acid conservation, physicochemical variation, residue mobility, and thermodynamic stability) performed at Invitae indicates that this missense variant is not expected to disrupt BMPR1A protein function. This variant has not been reported in the literature in individuals with BMPR1A-related conditions. ClinVar contains an entry for this variant (Variation ID: 629099).

NM_004329.3(BMPR1A):c.1097A>G (p.Lys366Arg)

Gene: BMPR1A (bone morphogenetic protein receptor type 1A; plus strand). Cytogenetic location: 10q23.2.
Variant type: single nucleotide variant.
Coding change: c.1097A>G on transcript NM_004329.3 (MANE Select); coding-DNA position 1097, A replaced by G.
Protein change: p.Lys366Arg; replaces lysine 366 with arginine.
Molecular consequence: missense variant.
Genome position (GRCh38, 1-based): chr10:86,919,400, A>G. VCF-style: chr10-86919400-A-G. GRCh37 (hg19) VCF-style: chr10-88679157-A-G.
Other names: short protein forms K366R.
Identifiers: ClinVar variation 629099 (VCV000629099.14), dbSNP rs1564724310, ClinGen allele CA377460862.